The following is an entry in ClinVar:

NM_003542.4(H4C3):c.136C>A (p.Arg46Ser)

Gene: H4C3 (H4 clustered histone 3; plus strand). Cytogenetic location: 6p22.2.
Variant type: single nucleotide variant.
Coding change: c.136C>A on transcript NM_003542.4 (MANE Select); coding-DNA position 136, C replaced by A.
Protein change: p.Arg46Ser; replaces arginine 46 with serine.
Molecular consequence: missense variant.
Genome position (GRCh38, 1-based): chr6:26,104,083, C>A. VCF-style: chr6-26104083-C-A. GRCh37 (hg19) VCF-style: chr6-26104311-C-A.
Other names: short protein forms R46S.
Identifiers: ClinVar variation 2597503 (VCV002597503.2), dbSNP rs2481656285, ClinGen allele CA363181028.

ClinVar aggregate classification (germline): Likely pathogenic (1 of 4 stars; one submission).

Submission:

Ambry Genetics
Classification: Likely pathogenic. Last evaluated: 2023-09-11. Review status: criteria provided, single submitter. Criteria: Ambry Variant Classification Scheme 2023. Collection method: clinical testing. Allele origin: germline.
Comment: The c.136C>A (p.R46S) alteration is located in exon 1 (coding exon 1) of the HIST1H4C gene. This alteration results from a C to A substitution at nucleotide position 136, causing the arginine (R) at amino acid position 46 to be replaced by a serine (S). This variant was not reported in population-based cohorts in the Genome Aggregation Database (gnomAD). A different alteration at the same codon in a paralogous gene, H4C5 c.136C>T (p.R46C), has been reported de novo in multiple individuals with features consistent with H4C5-related Tessadori-van Haaften neurodevelopmental syndrome (Tessadori, 2022). This amino acid position is highly conserved in available vertebrate species. Based on internal structural analysis, this variant interferes with the hydrogen bond linking H3 and H4 (Davey, 2002; Tessadori, 2022). This alteration is predicted to be deleterious by in silico analysis. Based on the available evidence, this alteration is classified as likely pathogenic.

Literature cited by the submitters: PubMed 12079350; PubMed 35202563.